The following is an entry in ClinVar:

ClinVar aggregate classification (germline): Likely benign. Review status: criteria provided, multiple submitters, no conflicts (2 of 4 stars). 3 submissions from 3 submitters: Likely benign (2). 1 of the submissions does not count toward it. Last evaluated 2025-10-10.

Conditions:
Vici syndrome (VICIS). Identifiers: Orphanet 1493, MedGen C1855772, MONDO:0009452, OMIM 242840.
EPG5-related disorder. Also called: EPG5-related condition. Identifiers: MedGen CN381528.

Allele frequency attached by ClinVar (database versions not stated): ExAC 0.00006; gnomAD 0.00008 and 0.00009; gnomAD exomes 0.00009 and 0.00020; TOPMed 0.00009; ESP Exome Variant Server 0.00017.
gnomAD v4.1: 305 of 1,613,930 alleles (0.019%); highest among the groups gnomAD compares: Non-Finnish European, 0.024%; no homozygotes.

Submissions (3):

Labcorp Genetics (formerly Invitae), Labcorp
Classification: Likely benign for Vici syndrome. Last evaluated: 2025-10-10. Review status: criteria provided, single submitter. Criteria: Invitae Variant Classification Sherloc (09022015). Collection method: clinical testing. Allele origin: germline.

Blueprint Genetics
Classification: Likely benign. Last evaluated: 2024-08-02. Review status: criteria provided, single submitter. Criteria: ACMG Guidelines, 2015. Collection method: clinical testing. Allele origin: germline.

PreventionGenetics, part of Exact Sciences
Classification: Likely benign for EPG5-related condition. Last evaluated: 2019-03-12. Review status: no assertion criteria provided. Collection method: clinical testing. Allele origin: germline. Not counted in ClinVar's aggregate classification.
Comment: This variant is classified as likely benign based on ACMG/AMP sequence variant interpretation guidelines (Richards et al. 2015 PMID: 25741868, with internal and published modifications).

NM_020964.3(EPG5):c.2761T>C (p.Leu921=)

Gene: EPG5 (ectopic P-granules 5 autophagy tethering factor; minus strand). Cytogenetic location: 18q21.1.
Variant type: single nucleotide variant.
Coding change: c.2761T>C on transcript NM_020964.3 (MANE Select); coding-DNA position 2761, T replaced by C.
Protein change: p.Leu921=; no amino-acid change (leucine 921 retained).
Molecular consequence: synonymous variant.
Genome position (GRCh38, 1-based): chr18:45,923,345, A>G on the plus strand (T>C on the coding strand, the complement: EPG5 is on the minus strand). VCF-style: chr18-45923345-A-G. GRCh37 (hg19) VCF-style: chr18-43503311-A-G.
Identifiers: ClinVar variation 747111 (VCV000747111.13), dbSNP rs376268597, ClinGen allele CA8949338.